The following is an entry in ClinVar:

ClinVar aggregate classification (germline): Uncertain significance. Review status: criteria provided, multiple submitters, no conflicts (2 of 4 stars). 2 submissions from 2 submitters: Uncertain significance (2). Last evaluated 2025-08-09.

Conditions:
Holoprosencephaly sequence (HPE). Also called: Holoprosencephaly. Identifiers: Orphanet 2162, MedGen C0079541, MONDO:0016296, HP:0001360.
Inborn genetic diseases. Identifiers: MedGen C0950123, MeSH D030342.

Allele frequency attached by ClinVar (database versions not stated): gnomAD exomes 0.00001; TOPMed 0.00007; gnomAD 0.00008; 1000 Genomes Project 30x 0.00016.

Submissions (2):

Ambry Genetics
Classification: Uncertain significance for Inborn genetic diseases. Last evaluated: 2025-08-09. Review status: criteria provided, single submitter. Criteria: Ambry Variant Classification Scheme 2023. Collection method: clinical testing. Allele origin: germline.

Labcorp Genetics (formerly Invitae), Labcorp
Classification: Uncertain significance for Holoprosencephaly sequence. Last evaluated: 2022-10-07. Review status: criteria provided, single submitter. Criteria: Invitae Variant Classification Sherloc (09022015). Collection method: clinical testing. Allele origin: germline.
Comment: In summary, the available evidence is currently insufficient to determine the role of this variant in disease. Therefore, it has been classified as a Variant of Uncertain Significance. Advanced modeling of protein sequence and biophysical properties (such as structural, functional, and spatial information, amino acid conservation, physicochemical variation, residue mobility, and thermodynamic stability) performed at Invitae indicates that this missense variant is not expected to disrupt FOXH1 protein function. This variant has not been reported in the literature in individuals affected with FOXH1-related conditions. The frequency data for this variant in the population databases is considered unreliable, as metrics indicate poor data quality at this position in the gnomAD database. This sequence change replaces lysine, which is basic and polar, with arginine, which is basic and polar, at codon 26 of the FOXH1 protein (p.Lys26Arg).

NM_003923.3(FOXH1):c.77A>G (p.Lys26Arg)

Gene: FOXH1 (forkhead box H1; minus strand). Cytogenetic location: 8q24.3.
Variant type: single nucleotide variant.
Coding change: c.77A>G on transcript NM_003923.3 (MANE Select); coding-DNA position 77, A replaced by G.
Protein change: p.Lys26Arg; replaces lysine 26 with arginine.
Molecular consequence: missense variant.
Genome position (GRCh38, 1-based): chr8:144,475,680, T>C on the plus strand (A>G on the coding strand, the complement: FOXH1 is on the minus strand). VCF-style: chr8-144475680-T-C. GRCh37 (hg19) VCF-style: chr8-145701063-T-C.
Other names: c.77A>G (NM_003923.2); short protein forms K26R.
Identifiers: ClinVar variation 2171232 (VCV002171232.5), dbSNP rs750023968, ClinGen allele CA4945677.
Genomic context (GRCh38, chr8:144,475,680, plus strand): 5'-ATCACCAAGGCGATCATGGCCAAGTAGGTGTAGGGGGGCTTGTCATGTCGCAGGTACCTC[T>C]TCTTCCTCCTCTTAGGGGGCTGGGAGGGCGACTCTGCCTCTGGGGGCCCCAGGCGGGAGC-3'
Protein context (NP_003914.1, residues 16-36): SPSQPPKRRK[Lys26Arg]RYLRHDKPPY